The following is an entry in ClinVar:

ClinVar aggregate classification (germline): Pathogenic. Review status: criteria provided, multiple submitters, no conflicts (2 of 4 stars). 2 submissions from 2 submitters: Pathogenic (2). Last evaluated 2025-06-13.

Conditions:
Cone-rod dystrophy 19 (CORD19). Identifiers: Orphanet 1872, MedGen C4014501, MONDO:0014372, OMIM 615860.

Allele frequency attached by ClinVar (database versions not stated): TOPMed 0.00001; ExAC 0.00002; gnomAD 0.00001; gnomAD exomes 0.00001.
gnomAD v4.1: 11 of 1,614,078 alleles (0.00068%); highest among the groups gnomAD compares: East Asian, 0.0022%; no homozygotes.

Submissions (2):

Institute of Human Genetics Munich, TUM University Hospital
Classification: Pathogenic for Cone-rod dystrophy 19. Last evaluated: 2025-06-13. Review status: criteria provided, single submitter. Criteria: Classification criteria August 2017. Collection method: clinical testing. Allele origin: germline. Inheritance: Autosomal recessive inheritance. Affected: yes. Observed: 1 variant allele.

Labcorp Genetics (formerly Invitae), Labcorp
Classification: Pathogenic. Last evaluated: 2023-11-19. Review status: criteria provided, single submitter. Criteria: Invitae Variant Classification Sherloc (09022015). Collection method: clinical testing. Allele origin: germline.
Comment: This sequence change creates a premature translational stop signal (p.Arg964*) in the TTLL5 gene. It is expected to result in an absent or disrupted protein product. Loss-of-function variants in TTLL5 are known to be pathogenic (PMID: 24791901, 27162334). This variant is present in population databases (rs777359273, gnomAD 0.002%). This variant has not been reported in the literature in individuals affected with TTLL5-related conditions. For these reasons, this variant has been classified as Pathogenic.

Literature cited by the submitters: PubMed 24791901 (cited by Labcorp Genetics (formerly Invitae), Labcorp); PubMed 27162334 (cited by Labcorp Genetics (formerly Invitae), Labcorp).

NM_015072.5(TTLL5):c.2890C>T (p.Arg964Ter)

Gene: TTLL5 (tubulin tyrosine ligase like 5; plus strand). Cytogenetic location: 14q24.3.
Variant type: single nucleotide variant.
Coding change: c.2890C>T on transcript NM_015072.5 (MANE Select); coding-DNA position 2890, C replaced by T.
Protein change: p.Arg964Ter; replaces arginine 964 with a stop codon.
Molecular consequence: nonsense.
Genome position (GRCh38, 1-based): chr14:75,783,434, C>T. VCF-style: chr14-75783434-C-T. GRCh37 (hg19) VCF-style: chr14-76249777-C-T.
Other names: short protein forms R964*.
Identifiers: ClinVar variation 2888538 (VCV002888538.9), dbSNP rs777359273, ClinGen allele CA7279836.